The following is an entry in ClinVar:

NM_001346754.2(PIGW):c.905A>G (p.Asn302Ser)

Genes: MYO19 (myosin XIX; minus strand), PIGW (phosphatidylinositol glycan anchor biosynthesis class W; plus strand). Cytogenetic location: 17q12.
Variant type: single nucleotide variant.
Coding change: c.905A>G on transcript NM_001346754.2 (MANE Select); coding-DNA position 905, A replaced by G.
Protein change: p.Asn302Ser; replaces asparagine 302 with serine.
Molecular consequence: missense variant.
Genome position (GRCh38, 1-based): chr17:36,538,006, A>G. VCF-style: chr17-36538006-A-G. GRCh37 (hg19) VCF-style: chr17-34893855-A-G.
Other names: c.905A>G, p.Asn302Ser (NM_001346755.2, NM_178517.5); short protein forms N302S.
Identifiers: ClinVar variation 1467257 (VCV001467257.8), dbSNP rs773486077, ClinGen allele CA399163834.
Genomic context (GRCh38, chr17:36,538,006, plus strand): 5'-AGAGGTTAATATTATATGGCACTGATGGTAGTGGCACACGGGTTGGTCTATTAAATGCCA[A>G]CCGCGAAGGAATAATCTCTACCCTGGGGTATGTGGCAATACACATGGCTGGTGTGCAAAC-3'
Protein context (NP_001333683.1, residues 292-312): SGTRVGLLNA[Asn302Ser]REGIISTLGY

ClinVar aggregate classification (germline): Uncertain significance (1 of 4 stars; one submission).

Conditions:
Hyperphosphatasia with intellectual disability syndrome 5 (GPIBD11). Also called: GLYCOSYLPHOSPHATIDYLINOSITOL BIOSYNTHESIS DEFECT 11. Identifiers: Orphanet 247262, MedGen C4014958, MONDO:0014457, OMIM 616025.

gnomAD v4.1: 2 of 1,614,048 alleles (0.00012%); highest among the groups gnomAD compares: Non-Finnish European, 0.00017%; no homozygotes.

Submission:

Labcorp Genetics (formerly Invitae), Labcorp
Classification: Uncertain significance for Hyperphosphatasia with intellectual disability syndrome 5. Last evaluated: 2020-12-18. Review status: criteria provided, single submitter. Criteria: Invitae Variant Classification Sherloc (09022015). Collection method: clinical testing. Allele origin: germline.
Comment: This sequence change replaces asparagine with serine at codon 302 of the PIGW protein (p.Asn302Ser). The asparagine residue is highly conserved and there is a small physicochemical difference between asparagine and serine. This variant is not present in population databases (ExAC no frequency). This variant has not been reported in the literature in individuals with PIGW-related conditions. Algorithms developed to predict the effect of missense changes on protein structure and function (SIFT, PolyPhen-2, Align-GVGD) all suggest that this variant is likely to be disruptive, but these predictions have not been confirmed by published functional studies and their clinical significance is uncertain. Algorithms developed to predict the effect of sequence changes on RNA splicing suggest that this variant may create or strengthen a splice site, but this prediction has not been confirmed by published transcriptional studies. In summary, the available evidence is currently insufficient to determine the role of this variant in disease. Therefore, it has been classified as a Variant of Uncertain Significance.